The following is an entry in ClinVar:

NM_022552.5(DNMT3A):c.1413T>G (p.Ile471Met)

Gene: DNMT3A (DNA methyltransferase 3 alpha; minus strand). Cytogenetic location: 2p23.3.
Variant type: single nucleotide variant.
Coding change: c.1413T>G on transcript NM_022552.5 (MANE Select); coding-DNA position 1413, T replaced by G.
Protein change: p.Ile471Met; replaces isoleucine 471 with methionine.
Molecular consequence: missense variant. On other transcripts: non-coding transcript variant (1).
Genome position (GRCh38, 1-based): chr2:25,246,176, A>C on the plus strand (T>G on the coding strand, the complement: DNMT3A is on the minus strand). VCF-style: chr2-25246176-A-C. GRCh37 (hg19) VCF-style: chr2-25469045-A-C.
Other names: c.957T>G, p.Ile319Met (NM_001320893.1); c.744T>G, p.Ile248Met (NM_001375819.1); c.846T>G, p.Ile282Met (NM_153759.3); c.1413T>G, p.Ile471Met (NM_175629.2); short protein forms I248M, I471M, I282M, I319M.
Identifiers: ClinVar variation 4013907 (VCV004013907.1).
Genomic context (GRCh38, chr2:25,246,176, plus strand): 5'-TGCAGGCCTCCTGGTGCCACCCTCTCCAGAAGCAGGCCAACTACCTCTTGTGCGCTCATC[A>C]ATAATCTCCTTGACCTTGGGCTTCTCCGCTGTGCTCTTCCGGGGCTTTTTGGCTGGTGGA-3'
Protein context (NP_072046.2, residues 461-481): TAEKPKVKEI[Ile471Met]DERTRERLVY

ClinVar aggregate classification (germline): Uncertain significance (1 of 4 stars; one submission).

Conditions:
Inborn genetic diseases. Identifiers: MedGen C0950123, MeSH D030342.

gnomAD v4.1: 4 of 1,614,008 alleles (0.00025%); highest among the groups gnomAD compares: Non-Finnish European, 0.00034%; no homozygotes.

Submission:

Ambry Genetics
Classification: Uncertain significance for Inborn genetic diseases. Last evaluated: 2025-04-10. Review status: criteria provided, single submitter. Criteria: Ambry Variant Classification Scheme 2023. Collection method: clinical testing. Allele origin: germline.
Comment: The p.I471M variant (also known as c.1413T>G), located in coding exon 10 of the DNMT3A gene, results from a T to G substitution at nucleotide position 1413. The isoleucine at codon 471 is replaced by methionine, an amino acid with highly similar properties. This amino acid position is conserved. In addition, this alteration is predicted to be tolerated by in silico analysis. Based on the available evidence, the clinical significance of this variant remains unclear.